The following is an entry in ClinVar:

NM_152564.5(VPS13B):c.7610T>C (p.Val2537Ala)

Gene: VPS13B (vacuolar protein sorting 13 homolog B; plus strand). Cytogenetic location: 8q22.2.
Variant type: single nucleotide variant.
Coding change: c.7610T>C on transcript NM_152564.5 (MANE Select); coding-DNA position 7610, T replaced by C.
Protein change: p.Val2537Ala; replaces valine 2537 with alanine.
Molecular consequence: missense variant.
Genome position (GRCh38, 1-based): chr8:99,778,862, T>C. VCF-style: chr8-99778862-T-C. GRCh37 (hg19) VCF-style: chr8-100791090-T-C.
Other names: c.7685T>C, p.Val2562Ala (NM_017890.5); c.7610T>C (NM_152564.4); short protein forms V2562A, V2537A.
Identifiers: ClinVar variation 857695 (VCV000857695.13), dbSNP rs751188155, ClinGen allele CA4824251.
Genomic context (GRCh38, chr8:99,778,862, plus strand): 5'-TCTGTCAGGAGATCCAGTTCTTAGCTCAAGCAGACTGTAAACTTCTAGAGTGCAGAAATG[T>C]CACTATGCAAAGTGTGGTGAAACCCTTCAGCATCTTCGGGCAGATGGCAGTTTCCAGCGA-3'
Protein context (NP_689777.3, residues 2527-2547): ADCKLLECRN[Val2537Ala]TMQSVVKPFS

ClinVar aggregate classification (germline): Uncertain significance. Review status: criteria provided, multiple submitters, no conflicts (2 of 4 stars). 5 submissions from 5 submitters: Uncertain significance (4). 1 of the submissions does not count toward it. Last evaluated 2025-12-08.

Conditions:
VPS13B-related disorder. Also called: VPS13B-related condition.
Cohen syndrome (COH1). Also called: PEPPER SYNDROME; Cutis verticis gyrata, retinitis pigmentosa, and sensorineural deafness. Identifiers: Orphanet 193, MedGen C0265223, MONDO:0008999, OMIM 216550.

Allele frequency attached by ClinVar (database versions not stated): gnomAD exomes below 0.00001 and 0.00001; ExAC 0.00001; TOPMed 0.00001.
gnomAD v4.1: 9 of 1,614,040 alleles (0.00056%); highest among the groups gnomAD compares: Middle Eastern, 0.016%; no homozygotes.

Submissions (5):

Labcorp Genetics (formerly Invitae), Labcorp
Classification: Uncertain significance for Cohen syndrome. Last evaluated: 2025-12-08. Review status: criteria provided, single submitter. Criteria: Invitae Variant Classification Sherloc (09022015). Collection method: clinical testing. Allele origin: germline.
Comment: This sequence change replaces valine, which is neutral and non-polar, with alanine, which is neutral and non-polar, at codon 2562 of the VPS13B protein (p.Val2562Ala). This variant is present in population databases (rs751188155, gnomAD 0.0009%). This variant has not been reported in the literature in individuals affected with VPS13B-related conditions. ClinVar contains an entry for this variant (Variation ID: 857695). Invitae Evidence Modeling of protein sequence and biophysical properties (such as structural, functional, and spatial information, amino acid conservation, physicochemical variation, residue mobility, and thermodynamic stability) indicates that this missense variant is not expected to disrupt VPS13B protein function with a negative predictive value of 80%. In summary, the available evidence is currently insufficient to determine the role of this variant in disease. Therefore, it has been classified as a Variant of Uncertain Significance.

PreventionGenetics, part of Exact Sciences
Classification: Uncertain significance for VPS13B-related condition. Last evaluated: 2025-03-26. Review status: criteria provided, single submitter. Criteria: ACMG Guidelines, 2015. Collection method: clinical testing. Allele origin: germline.
Comment: The VPS13B c.7610T>C variant is predicted to result in the amino acid substitution p.Val2537Ala. To our knowledge, this variant has not been reported in the literature. This variant is reported in 0.00088% of alleles in individuals of European (Non-Finnish) descent in gnomAD. At this time, the clinical significance of this variant is uncertain due to the absence of conclusive functional and genetic evidence.

Blueprint Genetics
Classification: Uncertain significance. Last evaluated: 2024-09-25. Review status: criteria provided, single submitter. Criteria: ACMG Guidelines, 2015. Collection method: clinical testing. Allele origin: germline.

Genome-Nilou Lab
Classification: Uncertain significance for Cohen syndrome. Last evaluated: 2021-07-22. Review status: criteria provided, single submitter. Criteria: ACMG Guidelines, 2015. Collection method: clinical testing. Allele origin: germline. Affected: no.

Natera, Inc.
Classification: Uncertain significance for Cohen syndrome. Last evaluated: 2021-04-22. Review status: no assertion criteria provided. Collection method: clinical testing. Allele origin: germline. Not counted in ClinVar's aggregate classification.